The following is an entry in ClinVar:

NM_001114753.3(ENG):c.689+3A>T

Gene: ENG (endoglin; minus strand). Cytogenetic location: 9q34.11.
Variant type: single nucleotide variant.
Coding change: c.689+3A>T on transcript NM_001114753.3 (MANE Select); 3 bases into the intron after coding-DNA position 689, A replaced by T.
Molecular consequence: intron variant.
Genome position (GRCh38, 1-based): chr9:127,825,692, T>A on the plus strand (A>T on the coding strand, the complement: ENG is on the minus strand). VCF-style: chr9-127825692-T-A. GRCh37 (hg19) VCF-style: chr9-130587971-T-A.
Other names: c.689+3A>T (NM_000118.4, NM_001406715.1); c.143+3A>T (NM_001278138.2).
Identifiers: ClinVar variation 1941988 (VCV001941988.2), dbSNP rs1367345326, ClinGen allele CA590939476.

ClinVar aggregate classification (germline): Uncertain significance (1 of 4 stars; one submission).

Conditions:
Hereditary hemorrhagic telangiectasia (HHT). Also called: ORW DISEASE; Osler Weber Rendu syndrome; OSLER-RENDU-WEBER DISEASE; Osler hemorrhagic telangiectasia syndrome. Identifiers: Orphanet 774, MedGen C0039445, MONDO:0019180. Disease mechanism: loss of function.

Allele frequency attached by ClinVar (database versions not stated): gnomAD exomes below 0.00001; TOPMed below 0.00001.
gnomAD v4.1: 3 of 1,575,250 alleles (0.00019%); highest among the groups gnomAD compares: East Asian, 0.0045%; no homozygotes.

Submission:

Labcorp Genetics (formerly Invitae), Labcorp
Classification: Uncertain significance for Hereditary hemorrhagic telangiectasia. Last evaluated: 2022-06-13. Review status: criteria provided, single submitter. Criteria: Invitae Variant Classification Sherloc (09022015). Collection method: clinical testing. Allele origin: germline.
Comment: This sequence change falls in intron 5 of the ENG gene. It does not directly change the encoded amino acid sequence of the ENG protein. It affects a nucleotide within the consensus splice site. The frequency data for this variant in the population databases is considered unreliable, as metrics indicate poor data quality at this position in the gnomAD database. This variant has not been reported in the literature in individuals affected with ENG-related conditions. Variants that disrupt the consensus splice site are a relatively common cause of aberrant splicing (PMID: 17576681, 9536098). Algorithms developed to predict the effect of sequence changes on RNA splicing suggest that this variant may disrupt the consensus splice site. In summary, the available evidence is currently insufficient to determine the role of this variant in disease. Therefore, it has been classified as a Variant of Uncertain Significance.

Literature cited by the submitters: PubMed 17576681; PubMed 9536098.